The following is an entry in ClinVar:

NM_004369.4(COL6A3):c.2227G>A (p.Val743Met)

Gene: COL6A3 (collagen type VI alpha 3 chain; minus strand). Cytogenetic location: 2q37.3.
Variant type: single nucleotide variant.
Coding change: c.2227G>A on transcript NM_004369.4 (MANE Select); coding-DNA position 2227, G replaced by A.
Protein change: p.Val743Met; replaces valine 743 with methionine.
Molecular consequence: missense variant. On other transcripts: intron variant (1).
Genome position (GRCh38, 1-based): chr2:237,378,906, C>T on the plus strand (G>A on the coding strand, the complement: COL6A3 is on the minus strand). VCF-style: chr2-237378906-C-T. GRCh37 (hg19) VCF-style: chr2-238287549-C-T.
Other names: c.1006G>A, p.Val336Met (NM_057164.5); c.1609G>A, p.Val537Met (NM_057165.5, NM_057167.4); c.677-1562G>A (NM_057166.5); short protein forms V336M, V743M, V537M.
Identifiers: ClinVar variation 2767508 (VCV002767508.4), dbSNP rs960542923, ClinGen allele CA67826811.

ClinVar aggregate classification (germline): Conflicting classifications of pathogenicity. Review status: criteria provided, conflicting classifications (1 of 4 stars). 2 submissions from 2 submitters: Uncertain significance (1); Likely benign (1). Last evaluated 2025-02-19.

Conditions:
Bethlem myopathy 1A. Also called: Bethlem myopathy 1; Bethlem Muscular Dystrophy; MYOPATHY, BENIGN CONGENITAL, WITH CONTRACTURES. Identifiers: Orphanet 610, MedGen CN029274, MONDO:0024530, OMIM 158810.

Allele frequency attached by ClinVar (database versions not stated): gnomAD 0.00001; gnomAD exomes 0.00001; TOPMed 0.00001.
gnomAD v4.1: 22 of 1,614,200 alleles (0.0014%); highest among the groups gnomAD compares: Middle Eastern, 0.017%; 1 homozygote.

Submissions (2):

Labcorp Genetics (formerly Invitae), Labcorp
Classification: Likely benign for Bethlem myopathy 1A. Last evaluated: 2025-02-19. Review status: criteria provided, single submitter. Criteria: Invitae Variant Classification Sherloc (09022015). Collection method: clinical testing. Allele origin: germline.

Women's Health and Genetics/Laboratory Corporation of America, LabCorp
Classification: Uncertain significance. Last evaluated: 2024-07-12. Review status: criteria provided, single submitter. Criteria: LabCorp Variant Classification Summary - May 2015. Collection method: clinical testing. Allele origin: germline.
Comment: Variant summary: COL6A3 c.2227G>A (p.Val743Met) results in a conservative amino acid change located in the von Willebrand factor, type A domain (IPR002035) of the encoded protein sequence. Four of five in-silico tools predict a damaging effect of the variant on protein function. The variant allele was found at a frequency of 4e-06 in 251304 control chromosomes. The available data on variant occurrences in the general population are insufficient to allow any conclusion about variant significance. To our knowledge, no occurrence of c.2227G>A in individuals affected with Ullrich Congenital Muscular Dystrophy 1 and no experimental evidence demonstrating its impact on protein function have been reported. ClinVar contains an entry for this variant (Variation ID: 2767508). Based on the evidence outlined above, the variant was classified as uncertain significance.